The following is an entry in ClinVar:

ClinVar aggregate classification (germline): Uncertain significance (1 of 4 stars; one submission).

Submission:

GeneDx
Classification: Uncertain significance. Last evaluated: 2025-06-11. Review status: criteria provided, single submitter. Criteria: GeneDx Variant Classification Process June 2021. Collection method: clinical testing. Allele origin: germline. Affected: yes.
Comment: Not observed at significant frequency in large population cohorts (gnomAD); In silico analysis supports that this missense variant has a deleterious effect on protein structure/function; Has not been previously published as pathogenic or benign to our knowledge

NM_017617.5(NOTCH1):c.395G>T (p.Gly132Val)

Gene: NOTCH1 (notch receptor 1; minus strand). Cytogenetic location: 9q34.3.
Variant type: single nucleotide variant.
Coding change: c.395G>T on transcript NM_017617.5 (MANE Select); coding-DNA position 395, G replaced by T.
Protein change: p.Gly132Val; replaces glycine 132 with valine.
Molecular consequence: missense variant.
Genome position (GRCh38, 1-based): chr9:136,523,725, C>A on the plus strand (G>T on the coding strand, the complement: NOTCH1 is on the minus strand). VCF-style: chr9-136523725-C-A. GRCh37 (hg19) VCF-style: chr9-139418177-C-A.
Other names: short protein forms G132V.
Identifiers: ClinVar variation 4537715 (VCV004537715.1).